The following is an entry in ClinVar:

NM_006270.5(RRAS):c.453+4C>T

Gene: RRAS (RAS related; minus strand). Cytogenetic location: 19q13.33.
Variant type: single nucleotide variant.
Coding change: c.453+4C>T on transcript NM_006270.5 (MANE Select); 4 bases into the intron after coding-DNA position 453, C replaced by T.
Molecular consequence: intron variant.
Genome position (GRCh38, 1-based): chr19:49,636,615, G>A on the plus strand (C>T on the coding strand, the complement: RRAS is on the minus strand). VCF-style: chr19-49636615-G-A. GRCh37 (hg19) VCF-style: chr19-50139872-G-A.
Identifiers: ClinVar variation 1398494 (VCV001398494.6), dbSNP rs774803334, ClinGen allele CA9579020.

ClinVar aggregate classification (germline): Uncertain significance (1 of 4 stars; one submission).

Conditions:
Noonan syndrome (NS). Also called: Noonan's syndrome. Identifiers: Orphanet 648, MedGen C0028326, MeSH D009634, MONDO:0018997. Disease mechanism: gain of function.

Allele frequency attached by ClinVar (database versions not stated): gnomAD 0.00001; gnomAD exomes 0.00001 and 0.00002; ExAC 0.00002; TOPMed 0.00002.

Submission:

Labcorp Genetics (formerly Invitae), Labcorp
Classification: Uncertain significance for Noonan syndrome. Last evaluated: 2024-04-01. Review status: criteria provided, single submitter. Criteria: Invitae Variant Classification Sherloc (09022015). Collection method: clinical testing. Allele origin: germline.
Comment: This sequence change falls in intron 4 of the RRAS gene. It does not directly change the encoded amino acid sequence of the RRAS protein. It affects a nucleotide within the consensus splice site. This variant is present in population databases (rs774803334, gnomAD 0.004%). This variant has not been reported in the literature in individuals affected with RRAS-related conditions. ClinVar contains an entry for this variant (Variation ID: 1398494). Variants that disrupt the consensus splice site are a relatively common cause of aberrant splicing (PMID: 17576681, 9536098). Algorithms developed to predict the effect of sequence changes on RNA splicing suggest that this variant is not likely to affect RNA splicing. In summary, the available evidence is currently insufficient to determine the role of this variant in disease. Therefore, it has been classified as a Variant of Uncertain Significance.

Literature cited by the submitters: PubMed 17576681; PubMed 9536098.